The following is an entry in ClinVar:

ClinVar aggregate classification (germline): Uncertain significance. Review status: criteria provided, multiple submitters, no conflicts (2 of 4 stars). 2 submissions from 2 submitters: Uncertain significance (2). Last evaluated 2022-12-18.

Conditions:
Inborn genetic diseases. Identifiers: MedGen C0950123, MeSH D030342.
Autosomal dominant Parkinson disease 8. Also called: LRRK2-Related Parkinson Disease; Parkinson disease 8; Parkinson disease 8, susceptibility to. Identifiers: Orphanet 411602, MedGen C1846862, MONDO:0011764, OMIM 607060.

Allele frequency attached by ClinVar (database versions not stated): gnomAD exomes below 0.00001; ExAC 0.00002; gnomAD 0.00003; 1000 Genomes Project 30x 0.00031; 1000 Genomes Project 0.00040.

Submissions (2):

Ambry Genetics
Classification: Uncertain significance for Inborn genetic diseases. Last evaluated: 2022-12-18. Review status: criteria provided, single submitter. Criteria: Ambry Variant Classification Scheme 2023. Collection method: clinical testing. Allele origin: germline.
Comment: The p.E1190K variant (also known as c.3568G>A), located in coding exon 26 of the LRRK2 gene, results from a G to A substitution at nucleotide position 3568. The glutamic acid at codon 1190 is replaced by lysine, an amino acid with similar properties. This amino acid position is conserved. In addition, the in silico prediction for this alteration is inconclusive. Since supporting evidence is limited at this time, the clinical significance of this alteration remains unclear.

Labcorp Genetics (formerly Invitae), Labcorp
Classification: Uncertain significance for Autosomal dominant Parkinson disease 8. Last evaluated: 2022-07-11. Review status: criteria provided, single submitter. Criteria: Invitae Variant Classification Sherloc (09022015). Collection method: clinical testing. Allele origin: germline.
Comment: This variant has not been reported in the literature in individuals affected with LRRK2-related conditions. This variant is present in population databases (rs533532047, gnomAD 0.01%). This sequence change replaces glutamic acid, which is acidic and polar, with lysine, which is basic and polar, at codon 1190 of the LRRK2 protein (p.Glu1190Lys). Algorithms developed to predict the effect of missense changes on protein structure and function (SIFT, PolyPhen-2, Align-GVGD) all suggest that this variant is likely to be tolerated. In summary, the available evidence is currently insufficient to determine the role of this variant in disease. Therefore, it has been classified as a Variant of Uncertain Significance.

NM_198578.4(LRRK2):c.3568G>A (p.Glu1190Lys)

Gene: LRRK2 (leucine rich repeat kinase 2; plus strand). Cytogenetic location: 12q12.
Variant type: single nucleotide variant.
Coding change: c.3568G>A on transcript NM_198578.4 (MANE Select); coding-DNA position 3568, G replaced by A.
Protein change: p.Glu1190Lys; replaces glutamic acid 1190 with lysine.
Molecular consequence: missense variant.
Genome position (GRCh38, 1-based): chr12:40,302,860, G>A. VCF-style: chr12-40302860-G-A. GRCh37 (hg19) VCF-style: chr12-40696662-G-A.
Other names: c.3568G>A (NM_198578.3); short protein forms E1190K.
Identifiers: ClinVar variation 2071741 (VCV002071741.6), dbSNP rs533532047, ClinGen allele CA6513944.